The following is an entry in ClinVar:

ClinVar aggregate classification (germline): Uncertain significance (1 of 4 stars; one submission).

Conditions:
Adams-Oliver syndrome 5 (AOS5). Identifiers: Orphanet 974, MedGen C4014970, MONDO:0014459, OMIM 616028.

gnomAD v4.1: 1 of 1,609,278 alleles (0.000062%); highest among the groups gnomAD compares: Non-Finnish European, 0.000085%; no homozygotes.

Submission:

Labcorp Genetics (formerly Invitae), Labcorp
Classification: Uncertain significance for Adams-Oliver syndrome 5. Last evaluated: 2018-01-08. Review status: criteria provided, single submitter. Criteria: Invitae Variant Classification Sherloc (09022015). Collection method: clinical testing. Allele origin: germline.
Comment: In summary, the available evidence is currently insufficient to determine the role of this variant in disease. Therefore, it has been classified as a Variant of Uncertain Significance. Algorithms developed to predict the effect of missense changes on protein structure and function (SIFT, PolyPhen-2, Align-GVGD) all suggest that this variant is likely to be tolerated, but these predictions have not been confirmed by published functional studies and their clinical significance is uncertain. This variant has not been reported in the literature in individuals with NOTCH1-related disease. This variant is not present in population databases (ExAC no frequency). This sequence change replaces glutamine with arginine at codon 2398 of the NOTCH1 protein (p.Gln2398Arg). The glutamine residue is weakly conserved and there is a small physicochemical difference between glutamine and arginine.

NM_017617.5(NOTCH1):c.7193A>G (p.Gln2398Arg)

Gene: NOTCH1 (notch receptor 1; minus strand). Cytogenetic location: 9q34.3.
Variant type: single nucleotide variant.
Coding change: c.7193A>G on transcript NM_017617.5 (MANE Select); coding-DNA position 7193, A replaced by G.
Protein change: p.Gln2398Arg; replaces glutamine 2398 with arginine.
Molecular consequence: missense variant.
Genome position (GRCh38, 1-based): chr9:136,496,546, T>C on the plus strand (A>G on the coding strand, the complement: NOTCH1 is on the minus strand). VCF-style: chr9-136496546-T-C. GRCh37 (hg19) VCF-style: chr9-139390998-T-C.
Other names: c.7193A>G, p.Gln2398Arg (LRG_1122t1); short protein forms Q2398R.
Identifiers: ClinVar variation 580030 (VCV000580030.8), dbSNP rs1564567879, ClinGen allele CA375627734.